The following is an entry in ClinVar:

NM_001242896.3(DEPDC5):c.344G>A (p.Trp115Ter)

Gene: DEPDC5 (DEP domain containing 5, GATOR1 subcomplex subunit; plus strand). Cytogenetic location: 22q12.2.
Variant type: single nucleotide variant.
Coding change: c.344G>A on transcript NM_001242896.3 (MANE Select); coding-DNA position 344, G replaced by A.
Protein change: p.Trp115Ter; replaces tryptophan 115 with a stop codon.
Molecular consequence: nonsense. On other transcripts: non-coding transcript variant (5), intron variant (2).
Genome position (GRCh38, 1-based): chr22:31,766,649, G>A. VCF-style: chr22-31766649-G-A. GRCh37 (hg19) VCF-style: chr22-32162635-G-A.
Other names: c.344G>A, p.Trp115Ter (NM_001363852.2, NM_001363854.2, NM_001364318.2 and 7 more transcripts); c.279+1589G>A (NM_001369902.1, NM_001369901.1); short protein forms W115*.
Identifiers: ClinVar variation 2701471 (VCV002701471.3), dbSNP rs2517947215, ClinGen allele CA411282513.

ClinVar aggregate classification (germline): Pathogenic (1 of 4 stars; one submission).

Conditions:
Familial focal epilepsy with variable foci (FPEVF). Identifiers: Orphanet 98820, MedGen C1858477, MONDO:0020310.

Submission:

Labcorp Genetics (formerly Invitae), Labcorp
Classification: Pathogenic for Familial focal epilepsy with variable foci. Last evaluated: 2024-03-29. Review status: criteria provided, single submitter. Criteria: Invitae Variant Classification Sherloc (09022015). Collection method: clinical testing. Allele origin: germline.
Comment: This sequence change creates a premature translational stop signal (p.Trp115*) in the DEPDC5 gene. It is expected to result in an absent or disrupted protein product. Loss-of-function variants in DEPDC5 are known to be pathogenic (PMID: 23542697, 23542701). This variant is not present in population databases (gnomAD no frequency). This variant has not been reported in the literature in individuals affected with DEPDC5-related conditions. Algorithms developed to predict the effect of sequence changes on RNA splicing suggest that this variant may disrupt the consensus splice site. For these reasons, this variant has been classified as Pathogenic.

Literature cited by the submitters: PubMed 23542697; PubMed 23542701.